The following is an entry in ClinVar:

NM_000245.4(MET):c.665C>T (p.Thr222Met)

Gene: MET (MET proto-oncogene, receptor tyrosine kinase; plus strand). Cytogenetic location: 7q31.2.
Variant type: single nucleotide variant.
Coding change: c.665C>T on transcript NM_000245.4 (MANE Select); coding-DNA position 665, C replaced by T.
Protein change: p.Thr222Met; replaces threonine 222 with methionine.
Molecular consequence: missense variant. On other transcripts: intron variant (1).
Genome position (GRCh38, 1-based): chr7:116,699,749, C>T. VCF-style: chr7-116699749-C-T. GRCh37 (hg19) VCF-style: chr7-116339803-C-T.
Other names: c.665C>T (NM_001127500.2); c.665C>T, p.Thr222Met (NM_001127500.3, NM_001324401.3); c.-91+27172C>T (NM_001324402.2); short protein forms T222M.
Identifiers: ClinVar variation 216514 (VCV000216514.28), dbSNP rs200776610, ClinGen allele CA338708.

ClinVar aggregate classification (germline): Conflicting classifications of pathogenicity. Review status: criteria provided, conflicting classifications (1 of 4 stars). 8 submissions from 8 submitters: Uncertain significance (5); Likely benign (3). Last evaluated 2026-08-26.

Conditions:
Renal cell carcinoma. Identifiers: Orphanet 217071, MedGen C0007134, MeSH D002292, MONDO:0005086, HP:0005584.
MET-related disorder. Also called: MET-related condition.
Hereditary cancer-predisposing syndrome. Also called: Neoplastic Syndromes, Hereditary; Tumor predisposition; Hereditary Cancer Syndrome; Hereditary neoplastic syndrome. Identifiers: Orphanet 140162, MedGen C0027672, MeSH D009386, MONDO:0015356.
Papillary renal cell carcinoma type 1 (RCCP1). Also called: Renal adenocarcinoma; Renal cell carcinoma 1; Renal cell carcinoma, somatic; RENAL CELL CARCINOMA, PAPILLARY, 1, SOMATIC. Identifiers: Orphanet 47044, MedGen C1336839, OMIM 605074, HP:0011797.

Allele frequency attached by ClinVar (database versions not stated): TOPMed 0.00017; gnomAD 0.00018 and 0.00019; 1000 Genomes Project 30x 0.00031; 1000 Genomes Project 0.00040; gnomAD exomes 0.00004 and 0.00007; ExAC 0.00005; ESP Exome Variant Server 0.00017.

Submissions (8):

PreventionGenetics, part of Exact Sciences
Classification: Uncertain significance for MET-related condition. Last evaluated: 2026-08-26. Review status: criteria provided, single submitter. Criteria: ACMG Guidelines, 2015. Collection method: clinical testing. Allele origin: germline.
Comment: The MET c.665C>T variant is predicted to result in the amino acid substitution p.Thr222Met. This variant has been reported in an individual with advanced cancer (Mandelker et al. 2017. PubMed ID: 28873162). This variant is reported in 0.045% of alleles in individuals of African descent in gnomAD and has conflicting interpretations in ClinVar ranging from likely benign to uncertain (Variation ID: 216514). Although we suspect that this variant may be benign, at this time, the clinical significance of this variant is uncertain due to the absence of conclusive functional and genetic evidence.

Labcorp Genetics (formerly Invitae), Labcorp
Classification: Likely benign for Renal cell carcinoma. Last evaluated: 2026-01-15. Review status: criteria provided, single submitter. Criteria: Invitae Variant Classification Sherloc (09022015). Collection method: clinical testing. Allele origin: germline.

Center for Genomic Medicine, Rigshospitalet, Copenhagen University Hospital
Classification: Uncertain significance. Last evaluated: 2025-12-29. Review status: criteria provided, single submitter. Criteria: ACMG Guidelines, 2015. Collection method: clinical testing. Allele origin: germline.

GeneDx
Classification: Uncertain significance. Last evaluated: 2025-08-29. Review status: criteria provided, single submitter. Criteria: GeneDx Variant Classification Process June 2021. Collection method: clinical testing. Allele origin: germline. Affected: yes.
Comment: Observed in an individual with an advanced cancer, not otherwise specified (PMID: 28873162); In silico analysis supports that this missense variant has a deleterious effect on protein structure/function; This variant is associated with the following publications: (PMID: 37200850, 28873162)

Women's Health and Genetics/Laboratory Corporation of America, LabCorp
Classification: Likely benign. Last evaluated: 2025-04-15. Review status: criteria provided, single submitter. Criteria: LabCorp Variant Classification Summary - May 2015. Collection method: clinical testing. Allele origin: germline.
Comment: Variant summary: MET c.665C>T (p.Thr222Met) results in a non-conservative amino acid change in the encoded protein sequence. Four of five in-silico tools predict a damaging effect of the variant on protein function. The variant allele was found at a frequency of 6.8e-05 in 249042 control chromosomes. The observed variant frequency is approximately 45.51 fold of the estimated maximal expected allele frequency for a pathogenic variant in MET causing Papillary Renal Cell Carcinoma phenotype (1.5e-06). To our knowledge, no occurrence of c.665C>T in individuals affected with MET-related conditions and no experimental evidence demonstrating its impact on protein function have been reported. The following publications have been ascertained in the context of this evaluation (PMID: 37200850, 32758285, 36430388, 34663923). ClinVar contains an entry for this variant (Variation ID: 216514). Based on the evidence outlined above, the variant was classified as likely benign.

St. Jude Molecular Pathology, St. Jude Children's Research Hospital
Classification: Uncertain significance for Papillary renal cell carcinoma type 1. Last evaluated: 2024-12-12. Review status: criteria provided, single submitter. Criteria: St. Jude Assertion Criteria 2020. Collection method: clinical testing. Allele origin: germline.
Comment: The MET c.665C>T (p.Thr222Met) missense change has a maximum subpopulation frequency of 0.05% in gnomAD v2.1.1. The in silico tool REVEL is inconclusive about a pathogenic or benign effect of this variant on protein function, and to our knowledge functional studies have not been performed. To our knowledge, this variant has not been reported in individuals with hereditary papillary renal cell carcinoma. In summary, the evidence currently available is insufficient to determine the clinical significance of this variant. It has therefore been classified as of uncertain significance.

Sema4
Classification: Uncertain significance for Hereditary cancer-predisposing syndrome. Last evaluated: 2021-07-16. Review status: criteria provided, single submitter. Criteria: Sema4 Curation Guidelines. Collection method: curation. Allele origin: germline.
Comment: The MET c.665C>T (p.T222M) variant has been reported in heterozygosity in at least one individual with advanced cancer (PMID: 28873162). This variant was observed in 11/24184 chromosomes in the African population, with no homozygotes, according to the Genome Aggregation Database (PMID: 32461654) and has been reported in ClinVar (Variation ID: 216514). Functional studies have not been performed, and in silico predictions of the variant's effect on protein function are inconclusive. Based on the current evidence available, this variant is interpreted as a variant of uncertain significance.

Ambry Genetics
Classification: Likely benign for Hereditary cancer-predisposing syndrome. Last evaluated: 2019-07-24. Review status: criteria provided, single submitter. Criteria: Ambry Variant Classification Scheme 2023. Collection method: clinical testing. Allele origin: germline.

Literature cited by the submitters: PubMed 28873162 (cited by Sema4).